The following is an entry in ClinVar:

NM_024996.7(GFM1):c.2155A>G (p.Arg719Gly)

Gene: GFM1 (G elongation factor mitochondrial 1; plus strand). Cytogenetic location: 3q25.32.
Variant type: single nucleotide variant.
Coding change: c.2155A>G on transcript NM_024996.7 (MANE Select); coding-DNA position 2155, A replaced by G.
Protein change: p.Arg719Gly; replaces arginine 719 with glycine.
Molecular consequence: missense variant. On other transcripts: non-coding transcript variant (4).
Genome position (GRCh38, 1-based): chr3:158,691,366, A>G. VCF-style: chr3-158691366-A-G. GRCh37 (hg19) VCF-style: chr3-158409155-A-G.
Other names: c.2212A>G, p.Arg738Gly (NM_001308164.2); c.2074A>G, p.Arg692Gly (NM_001374355.1); c.2038A>G, p.Arg680Gly (NM_001374356.1); c.1930A>G, p.Arg644Gly (NM_001374357.1); c.1696A>G, p.Arg566Gly (NM_001374358.1); c.1588A>G, p.Arg530Gly (NM_001374359.1); c.1534A>G, p.Arg512Gly (NM_001374360.1); c.1471A>G, p.Arg491Gly (NM_001374361.1); short protein forms R491G, R512G, R530G, R566G, R644G, R680G, R692G, R719G.
Identifiers: ClinVar variation 2630541 (VCV002630541.1), dbSNP rs2473069564, ClinGen allele CA355183366.

ClinVar aggregate classification (germline): Uncertain significance (1 of 4 stars; one submission).

Conditions:
GFM1-related disorder. Also called: GFM1-related condition.

Submission:

PreventionGenetics, part of Exact Sciences
Classification: Uncertain significance for GFM1-related condition. Last evaluated: 2023-02-14. Review status: criteria provided, single submitter. Criteria: ACMG Guidelines, 2015. Collection method: clinical testing. Allele origin: germline.
Comment: The GFM1 c.2212A>G variant is predicted to result in the amino acid substitution p.Arg738Gly. To our knowledge, this variant has not been reported in the literature or in a large population database, indicating this variant is rare. At this time, the clinical significance of this variant is uncertain due to the absence of conclusive functional and genetic evidence.